The following is an entry in ClinVar:

NM_000536.4(RAG2):c.1274_1280dup (p.Asn428fs)

Gene: RAG2 (recombination activating 2; minus strand). Cytogenetic location: 11p12.
Variant type: Duplication.
Coding change: c.1274_1280dup on transcript NM_000536.4 (MANE Select); coding-DNA positions 1274 to 1280, 7 bases duplicated (TGGATAT; older notation c.1274_1280dupTGGATAT).
Protein change: p.Asn428fs; shifts the reading frame from asparagine 428.
Molecular consequence: frameshift variant.
Genome position (GRCh38, 1-based): chr11:36,592,889-36,592,895, ATATCCA duplicated on the plus strand (TGGATAT on the coding strand, the reverse complement: RAG2 is on the minus strand). VCF-style (leftmost placement, unchanged base first): chr11-36592888-G-GATATCCA. GRCh37 (hg19) VCF-style: chr11-36614438-G-GATATCCA.
Other names: c.1274_1280dup, p.Asn428fs (NM_001243785.2, NM_001243786.2); c.1274_1280dupTGGATAT (NM_000536.3); short protein forms N428fs.
Identifiers: ClinVar variation 2678219 (VCV002678219.3), dbSNP rs2494788679, ClinGen allele CA2613151041.

ClinVar aggregate classification (germline): Likely pathogenic. Review status: criteria provided, multiple submitters, no conflicts (2 of 4 stars). 3 submissions from 3 submitters: Likely pathogenic (3). Last evaluated 2024-09-27.

Conditions:
Severe combined immunodeficiency, autosomal recessive, T cell-negative, B cell-negative, NK cell-positive. Also called: SCID, T CELL-NEGATIVE, B CELL-NEGATIVE, NK CELL-POSITIVE; SCID, AR, T-cell negative, B-cell negative, NK cell-positive; Severe combined immunodeficiency due to complete RAG1/2 deficiency. Identifiers: Orphanet 331206, MedGen C1832322, MONDO:0011086, OMIM 601457.
Combined immunodeficiency with skin granulomas. Identifiers: Orphanet 157949, MedGen C2673536, MONDO:0009306, OMIM 233650.
Histiocytic medullary reticulosis. Also called: SEVERE COMBINED IMMUNODEFICIENCY WITH HYPEREOSINOPHILIA; Omenn syndrome. Identifiers: Orphanet 39041, MedGen C2700553, MONDO:0011338, OMIM 603554.

Submissions (3):

Natera, Inc.
Classification: Likely pathogenic for Omenn syndrome. Last evaluated: 2024-09-27. Review status: criteria provided, single submitter. Criteria: Natera Variant Classification Schema (03/2026). Collection method: clinical testing. Allele origin: germline.
Comment: The c.1274_1280dupTGGATAT variant in RAG2 is a frameshift variant predicted to shift the reading frame beginning at codon 428 and leads to a stop codon 12 codons downstream. This variant is expected to result in nonsense mediated decay, truncation, or a dysfunctional protein product. This variant is rare in the general population with a frequency below the threshold expected for the associated phenotype(s). This variant has been observed in one or more individuals affected with the associated recessive disease, as either homozygous or compound heterozygous with a second variant (PMID: 32265901, 37724703). Given the available evidence, this variant is classified as Likely Pathogenic.

Fulgent Genetics
Classification: Likely pathogenic for Combined immunodeficiency with skin granulomas; Severe combined immunodeficiency, autosomal recessive, T cell-negative, B cell-negative, NK cell-positive; Histiocytic medullary reticulosis. Last evaluated: 2024-01-30. Review status: criteria provided, single submitter. Criteria: ACMG Guidelines, 2015. Collection method: clinical testing. Allele origin: germline.

Baylor Genetics
Classification: Likely pathogenic for Combined immunodeficiency with skin granulomas. Last evaluated: 2022-04-13. Review status: criteria provided, single submitter. Criteria: ACMG Guidelines, 2015. Collection method: clinical testing. Allele origin: unknown.

Literature cited by the submitters: PubMed 32265901 (cited by Natera, Inc.); PubMed 37724703 (cited by Natera, Inc.).